The following is an entry in ClinVar:

NM_025257.3(SLC44A4):c.256C>A (p.Leu86Ile)

Gene: SLC44A4 (solute carrier family 44 member 4; minus strand). Cytogenetic location: 6p21.33.
Variant type: single nucleotide variant.
Coding change: c.256C>A on transcript NM_025257.3 (MANE Select); coding-DNA position 256, C replaced by A.
Protein change: p.Leu86Ile; replaces leucine 86 with isoleucine.
Molecular consequence: missense variant.
Genome position (GRCh38, 1-based): chr6:31,875,015, G>T on the plus strand (C>A on the coding strand, the complement: SLC44A4 is on the minus strand). VCF-style: chr6-31875015-G-T. GRCh37 (hg19) VCF-style: chr6-31842792-G-T.
Other names: c.256C>A (NM_025257.2); c.256C>A, p.Leu86Ile (NM_001178044.2, NM_032794.1); c.28C>A, p.Leu10Ile (NM_001178045.2); short protein forms L10I, L86I.
Identifiers: ClinVar variation 2428265 (VCV002428265.7), dbSNP rs144798042, ClinGen allele CA3725756.
Genomic context (GRCh38, chr6:31,875,015, plus strand): 5'-TCTCAGCAACTGAGATGATGTTGCTGGACAGGATGCAGCTGAAGATGTTGAAGTACAGGA[G>T]ATACGGCTTATCTCTGTGGGAGGGGAGGGACCATGTGCATCAGGGCCTGGTCAGGTGTTG-3'
Protein context (NP_079533.2, residues 76-96): GMGENKDKPY[Leu86Ile]LYFNIFSCIL

ClinVar aggregate classification (germline): Uncertain significance. Review status: criteria provided, multiple submitters, no conflicts (2 of 4 stars). 2 submissions from 2 submitters: Uncertain significance (2). Last evaluated 2025-01-06.

Allele frequency attached by ClinVar (database versions not stated): ExAC 0.00001; gnomAD 0.00005; TOPMed 0.00006; ESP Exome Variant Server 0.00012.
gnomAD v4.1: 9 of 1,612,308 alleles (0.00056%); highest among the groups gnomAD compares: Admixed American, 0.0083%; no homozygotes.

Submissions (2):

Labcorp Genetics (formerly Invitae), Labcorp
Classification: Uncertain significance. Last evaluated: 2025-01-06. Review status: criteria provided, single submitter. Criteria: Invitae Variant Classification Sherloc (09022015). Collection method: clinical testing. Allele origin: germline.
Comment: This sequence change replaces leucine, which is neutral and non-polar, with isoleucine, which is neutral and non-polar, at codon 86 of the SLC44A4 protein (p.Leu86Ile). This variant is present in population databases (rs144798042, gnomAD 0.006%). This variant has not been reported in the literature in individuals affected with SLC44A4-related conditions. ClinVar contains an entry for this variant (Variation ID: 2428265). Invitae Evidence Modeling of protein sequence and biophysical properties (such as structural, functional, and spatial information, amino acid conservation, physicochemical variation, residue mobility, and thermodynamic stability) indicates that this missense variant is not expected to disrupt SLC44A4 protein function with a negative predictive value of 80%. In summary, the available evidence is currently insufficient to determine the role of this variant in disease. Therefore, it has been classified as a Variant of Uncertain Significance.

Ambry Genetics
Classification: Uncertain significance. Last evaluated: 2024-06-04. Review status: criteria provided, single submitter. Criteria: Ambry Variant Classification Scheme 2023. Collection method: clinical testing. Allele origin: germline.